The following is an entry in ClinVar:

NM_000152.5(GAA):c.1802C>A (p.Ser601Ter)

Gene: GAA (alpha glucosidase; plus strand). Cytogenetic location: 17q25.3.
Variant type: single nucleotide variant.
Coding change: c.1802C>A on transcript NM_000152.5 (MANE Select); coding-DNA position 1802, C replaced by A.
Protein change: p.Ser601Ter; replaces serine 601 with a stop codon.
Molecular consequence: nonsense.
Genome position (GRCh38, 1-based): chr17:80,112,625, C>A. VCF-style: chr17-80112625-C-A. GRCh37 (hg19) VCF-style: chr17-78086424-C-A.
Other names: c.1802C>A, p.Ser601Ter (NM_001079803.3, NM_001079804.3); short protein forms S601*.
Identifiers: ClinVar variation 593486 (VCV000593486.56), dbSNP rs374470794, ClinGen allele CA401369436.

ClinVar aggregate classification (germline): Pathogenic. Review status: reviewed by expert panel (3 of 4 stars). 5 submissions from 5 submitters: Pathogenic (1). 4 of the submissions do not count toward it. Last evaluated 2020-06-03.

Conditions:
Glycogen storage disease, type II (IOPD). Also called: POMPE DISEASE, INFANTILE-ONSET; GLYCOGEN STORAGE DISEASE II, INFANTILE-ONSET; ACID ALPHA-GLUCOSIDASE DEFICIENCY, INFANTILE-ONSET; GAA DEFICIENCY, INFANTILE-ONSET; ACID MALTASE DEFICIENCY, INFANTILE-ONSET; Glucosidase acid-1,4-alpha deficiency. Identifiers: Orphanet 365, MedGen C0017921, MONDO:0009290, OMIM 232300.

gnomAD v4.1: 3 of 1,613,012 alleles (0.00019%); highest among the groups gnomAD compares: Non-Finnish European, 0.00025%; no homozygotes.

Submissions (5):

ClinGen Lysosomal Storage Disorder Variant Curation Expert Panel
Classification: Pathogenic for Glycogen storage disease, type II. Last evaluated: 2020-06-03. Review status: reviewed by expert panel. Criteria: ClinGen LSD ACMG Specifications v1. Collection method: curation. Allele origin: germline. Inheritance: Autosomal recessive inheritance.
Comment: This variant, c.1802C>A (p.Ser601Ter), which results in a premature termination codon, is expected to result in nonsense mediated decay and absence of gene product, meeting PVS1. This is supported by the finding that a patient with this variant has no GAA cross-reactive immunological material in protein isolated from skin fibroblast cultures i.e. CRIM-negative (PMID 21687968). The variant is absent in gnomAD v2.1.1, meeting PM2. This variant was found in compound heterozygosity with c.525del in one patient with Pompe disease meeting the specifications for PP4. The phase is unknown (PMID 26497565). This data meets PM3_Supporting. A patient with the same genotype has been reported (PMID 21687968) and might be the same patient but this could not be verified. There is a ClinVar entry for this variant (Variation ID: 593486, 1 star review status) with one submitter classifying the variant as pathogenic. In summary, this variant meets the criteria to be classified as pathogenic for Pompe disease. GAA-specific ACMG/AMP criteria applied, as specified by the ClinGen LSD VCEP: PVS1, PM3_Suporting, PM2, PP4.

Genomenon, Inc
Classification: Pathogenic for Glycogen storage disease, type II. Last evaluated: 2026-07-01. Review status: criteria provided, single submitter. Criteria: Genomenon Sequence Variant Interpretation Standards - Updated. Collection method: curation. Allele origin: germline. Affected: yes. Not counted in ClinVar's aggregate classification.
Comment: GAA p.Ser601Ter (c.1802C>A) is a nonsense variant that introduces a premature stop codon at amino acid position 601 and is predicted to result in a truncated or absent protein product. This variant has been observed in at least one proband with a GAA-related disorder (PMID:26497565;21687968). It is absent or not present at a significant frequency in gnomAD. In conclusion, we classify GAA p.Ser601Ter (c.1802C>A) as a pathogenic variant.

Labcorp Genetics (formerly Invitae), Labcorp
Classification: Pathogenic for Glycogen storage disease, type II. Last evaluated: 2025-11-16. Review status: criteria provided, single submitter. Criteria: Invitae Variant Classification Sherloc (09022015). Collection method: clinical testing. Allele origin: germline. Not counted in ClinVar's aggregate classification.
Comment: This sequence change creates a premature translational stop signal (p.Ser601*) in the GAA gene. It is expected to result in an absent or disrupted protein product. Loss-of-function variants in GAA are known to be pathogenic (PMID: 18425781, 22252923). This variant is not present in population databases (gnomAD no frequency). This premature translational stop signal has been observed in individuals with GAA-related conditions (PMID: 21687968, 29422078). ClinVar contains an entry for this variant (Variation ID: 593486). Algorithms developed to predict the effect of sequence changes on RNA splicing suggest that this variant may create or strengthen a splice site. For these reasons, this variant has been classified as Pathogenic.

CeGaT Center for Human Genetics Tuebingen
Classification: Pathogenic. Last evaluated: 2020-08-01. Review status: criteria provided, single submitter. Criteria: CeGaT Center For Human Genetics Tuebingen Variant Classification Criteria Version 2. Collection method: clinical testing. Allele origin: germline. Affected: yes. Observed: 1 variant allele. Not counted in ClinVar's aggregate classification.

Eurofins Ntd Llc (ga)
Classification: Pathogenic. Last evaluated: 2017-07-31. Review status: criteria provided, single submitter. Criteria: EGL Classification Definitions 2015. Collection method: clinical testing. Allele origin: germline. Observed: 2 variant alleles, 2 heterozygotes. Not counted in ClinVar's aggregate classification.

Literature cited by the submitters: PubMed 21687968 (cited by 4 submitters); PubMed 26497565 (cited by Genomenon, Inc); PubMed 18425781 (cited by Labcorp Genetics (formerly Invitae), Labcorp); PubMed 22252923 (cited by Labcorp Genetics (formerly Invitae), Labcorp); PubMed 29422078 (cited by Labcorp Genetics (formerly Invitae), Labcorp).